The following is an entry in ClinVar:

NM_177924.5(ASAH1):c.360C>T (p.Ala120=)

Gene: ASAH1 (N-acylsphingosine amidohydrolase 1; minus strand). Cytogenetic location: 8p22.
Variant type: single nucleotide variant.
Coding change: c.360C>T on transcript NM_177924.5 (MANE Select); coding-DNA position 360, C replaced by T.
Protein change: p.Ala120=; no amino-acid change (alanine 120 retained).
Molecular consequence: synonymous variant.
Genome position (GRCh38, 1-based): chr8:18,067,242, G>A on the plus strand (C>T on the coding strand, the complement: ASAH1 is on the minus strand). VCF-style: chr8-18067242-G-A. GRCh37 (hg19) VCF-style: chr8-17924751-G-A.
Other names: c.408C>T (NM_004315.5); c.342C>T, p.Ala114= (NM_001127505.3); c.165C>T, p.Ala55= (NM_001363743.2); c.408C>T, p.Ala136= (NM_004315.6).
Identifiers: ClinVar variation 772104 (VCV000772104.8), dbSNP rs139074080, ClinGen allele CA4650904.

ClinVar aggregate classification (germline): Likely benign. Review status: criteria provided, multiple submitters, no conflicts (2 of 4 stars). 2 submissions from 2 submitters: Likely benign (2). Last evaluated 2026-09-12.

Conditions:
ASAH1-related disorders. Also called: ASAH1-related condition; ASAH1-related disorder. Identifiers: MedGen CN376120, MONDO:0800460.

Allele frequency attached by ClinVar (database versions not stated): ExAC 0.00001; gnomAD exomes 0.00001 and 0.00002; gnomAD 0.00005; TOPMed 0.00005; ESP Exome Variant Server 0.00008.
gnomAD v4.1: 32 of 1,591,972 alleles (0.002%); highest among the groups gnomAD compares: African/African-American, 0.014%; no homozygotes.

Submissions (2):

PreventionGenetics, part of Exact Sciences
Classification: Likely benign for ASAH1-related condition. Last evaluated: 2026-09-12. Review status: criteria provided, single submitter. Criteria: ACMG Guidelines, 2015. Collection method: clinical testing. Allele origin: germline.
Comment: This variant is classified as likely benign based on ACMG/AMP sequence variant interpretation guidelines (Richards et al. 2015 PMID: 25741868, with internal and published modifications).

Labcorp Genetics (formerly Invitae), Labcorp
Classification: Likely benign. Last evaluated: 2025-06-22. Review status: criteria provided, single submitter. Criteria: Invitae Variant Classification Sherloc (09022015). Collection method: clinical testing. Allele origin: germline.